The following is an entry in ClinVar:

ClinVar aggregate classification (germline): Likely benign (1 of 4 stars; one submission).

Allele frequency attached by ClinVar (database versions not stated): ExAC 0.00001; gnomAD 0.00001; gnomAD exomes 0.00002.
gnomAD v4.1: 25 of 1,507,176 alleles (0.0017%); highest among the groups gnomAD compares: Middle Eastern, 0.034%; no homozygotes.

Submission:

CeGaT Center for Human Genetics Tuebingen
Classification: Likely benign. Last evaluated: 2022-11-01. Review status: criteria provided, single submitter. Criteria: CeGaT Center For Human Genetics Tuebingen Variant Classification Criteria Version 2. Collection method: clinical testing. Allele origin: germline. Affected: yes. Observed: 1 variant allele.
Comment: SON: BP4

NM_138927.4(SON):c.6885+4C>T

Gene: SON (SON DNA and RNA binding protein; plus strand). Cytogenetic location: 21q22.11.
Variant type: single nucleotide variant.
Coding change: c.6885+4C>T on transcript NM_138927.4 (MANE Select); 4 bases into the intron after coding-DNA position 6885, C replaced by T.
Molecular consequence: intron variant.
Genome position (GRCh38, 1-based): chr21:33,569,091, C>T. VCF-style: chr21-33569091-C-T. GRCh37 (hg19) VCF-style: chr21-34941397-C-T.
Other names: c.969+4C>T (NM_001291412.3).
Identifiers: ClinVar variation 2652625 (VCV002652625.24), dbSNP rs758718069, ClinGen allele CA10010095.